The following is an entry in ClinVar:

ClinVar aggregate classification (germline): Uncertain significance (1 of 4 stars; one submission).

Conditions:
Spastic paraplegia. Identifiers: MedGen C0037772, HP:0001258.

gnomAD v4.1: 3 of 1,613,894 alleles (0.00019%); highest among the groups gnomAD compares: Admixed American, 0.0033%; no homozygotes.

Submission:

Labcorp Genetics (formerly Invitae), Labcorp
Classification: Uncertain significance for Spastic paraplegia. Last evaluated: 2024-03-04. Review status: criteria provided, single submitter. Criteria: Invitae Variant Classification Sherloc (09022015). Collection method: clinical testing. Allele origin: germline.
Comment: This sequence change replaces threonine, which is neutral and polar, with arginine, which is basic and polar, at codon 29 of the AP4S1 protein (p.Thr29Arg). This variant is present in population databases (rs557132648, gnomAD 0.006%). This variant has not been reported in the literature in individuals affected with AP4S1-related conditions. ClinVar contains an entry for this variant (Variation ID: 2075672). An algorithm developed to predict the effect of missense changes on protein structure and function (PolyPhen-2) suggests that this variant is likely to be disruptive. In summary, the available evidence is currently insufficient to determine the role of this variant in disease. Therefore, it has been classified as a Variant of Uncertain Significance.

NM_001128126.3(AP4S1):c.86C>G (p.Thr29Arg)

Gene: AP4S1 (adaptor related protein complex 4 subunit sigma 1; plus strand). Cytogenetic location: 14q12.
Variant type: single nucleotide variant.
Coding change: c.86C>G on transcript NM_001128126.3 (MANE Select); coding-DNA position 86, C replaced by G.
Protein change: p.Thr29Arg; replaces threonine 29 with arginine.
Molecular consequence: missense variant.
Genome position (GRCh38, 1-based): chr14:31,066,282, C>G. VCF-style: chr14-31066282-C-G. GRCh37 (hg19) VCF-style: chr14-31535488-C-G.
Other names: c.86C>G, p.Thr29Arg (NM_001254726.2, NM_001254727.2, NM_001254728.2 and 2 more transcripts); short protein forms T29R.
Identifiers: ClinVar variation 2075672 (VCV002075672.4), dbSNP rs557132648, ClinGen allele CA7144138.